The following is an entry in ClinVar:

ClinVar aggregate classification (germline): Uncertain significance. Review status: criteria provided, multiple submitters, no conflicts (2 of 4 stars). 3 submissions from 3 submitters: Uncertain significance (3). Last evaluated 2026-03-24.

Conditions:
KDM6A-related disorder. Also called: KDM6A-related condition.
Kabuki syndrome 2 (KABUK2). Also called: KDM6A-Related Kabuki Syndrome. Identifiers: Orphanet 2322, MedGen C3275495, MONDO:0010465, OMIM 300867.

Allele frequency attached by ClinVar (database versions not stated): gnomAD exomes below 0.00001; gnomAD 0.00001; TOPMed 0.00001.
gnomAD v4.1: 5 of 1,209,795 alleles (0.00041%); highest among the groups gnomAD compares: Admixed American, 0.0044%; no homozygotes.

Submissions (3):

PreventionGenetics, part of Exact Sciences
Classification: Uncertain significance for KDM6A-related condition. Last evaluated: 2026-03-24. Review status: criteria provided, single submitter. Criteria: ACMG Guidelines, 2015. Collection method: clinical testing. Allele origin: germline.
Comment: The KDM6A c.1655G>C variant is predicted to result in the amino acid substitution p.Ser552Thr. To our knowledge, this variant has not been reported in the literature. This variant is reported in 0.0036% of alleles in individuals of Latino descent in gnomAD. Although we suspect that this variant may be benign, at this time, the clinical significance of this variant is uncertain due to the absence of conclusive functional and genetic evidence.

Labcorp Genetics (formerly Invitae), Labcorp
Classification: Uncertain significance for Kabuki syndrome 2. Last evaluated: 2025-05-14. Review status: criteria provided, single submitter. Criteria: Invitae Variant Classification Sherloc (09022015). Collection method: clinical testing. Allele origin: germline.
Comment: This sequence change replaces serine, which is neutral and polar, with threonine, which is neutral and polar, at codon 552 of the KDM6A protein (p.Ser552Thr). This variant is present in population databases (no rsID available, gnomAD 0.004%). This variant has not been reported in the literature in individuals affected with KDM6A-related conditions. ClinVar contains an entry for this variant (Variation ID: 3005796). Invitae Evidence Modeling of protein sequence and biophysical properties (such as structural, functional, and spatial information, amino acid conservation, physicochemical variation, residue mobility, and thermodynamic stability) indicates that this missense variant is not expected to disrupt KDM6A protein function with a negative predictive value of 80%. In summary, the available evidence is currently insufficient to determine the role of this variant in disease. Therefore, it has been classified as a Variant of Uncertain Significance.

Fulgent Genetics
Classification: Uncertain significance for Kabuki syndrome 2. Last evaluated: 2024-02-04. Review status: criteria provided, single submitter. Criteria: ACMG Guidelines, 2015. Collection method: clinical testing. Allele origin: germline.

NM_001291415.2(KDM6A):c.1811G>C (p.Ser604Thr)

Gene: KDM6A (lysine demethylase 6A; plus strand). Cytogenetic location: Xp11.3.
Variant type: single nucleotide variant.
Coding change: c.1811G>C on transcript NM_001291415.2 (MANE Select); coding-DNA position 1811, G replaced by C.
Protein change: p.Ser604Thr; replaces serine 604 with threonine.
Molecular consequence: missense variant. On other transcripts: non-coding transcript variant (1).
Genome position (GRCh38, 1-based): chrX:45,063,549, G>C. VCF-style: chrX-45063549-G-C. GRCh37 (hg19) VCF-style: chrX-44922794-G-C.
Other names: c.1676G>C, p.Ser559Thr (NM_001291416.2, NM_001419811.1); c.1520G>C, p.Ser507Thr (NM_001291417.2); c.1418G>C, p.Ser473Thr (NM_001291418.2, NM_001419815.1); c.767G>C, p.Ser256Thr (NM_001291421.2); c.1553G>C, p.Ser518Thr (NM_001410742.1, NM_001419814.1); c.1811G>C, p.Ser604Thr (NM_001419809.1); c.1709G>C, p.Ser570Thr (NM_001419810.1, NM_001419813.1); c.1655G>C, p.Ser552Thr (NM_001419812.1, NM_021140.4); and 1 more; short protein forms S507T, S559T, S473T, S552T, S570T, S256T, S518T, S604T.
Identifiers: ClinVar variation 3005796 (VCV003005796.5), dbSNP rs1288512324, ClinGen allele CA412788524.